The following is an entry in ClinVar:

NM_001401501.2(MUC16):c.9084C>T (p.Ala3028=)

Gene: MUC16 (mucin 16, cell surface associated; minus strand). Cytogenetic location: 19p13.2.
Variant type: single nucleotide variant.
Coding change: c.9084C>T on transcript NM_001401501.2 (MANE Select); coding-DNA position 9084, C replaced by T.
Protein change: p.Ala3028=; no amino-acid change (alanine 3028 retained).
Molecular consequence: synonymous variant.
Genome position (GRCh38, 1-based): chr19:8,972,175, G>A on the plus strand (C>T on the coding strand, the complement: MUC16 is on the minus strand). VCF-style: chr19-8972175-G-A. GRCh37 (hg19) VCF-style: chr19-9082851-G-A.
Other names: c.9510C>T, p.Ala3170= (NM_001414686.1); c.8964C>T, p.Ala2988= (NM_001414687.1, NM_024690.2).
Identifiers: ClinVar variation 781407 (VCV000781407.6), dbSNP rs74801182, ClinGen allele CA9171863.

ClinVar aggregate classification (germline): Benign. Review status: criteria provided, multiple submitters, no conflicts (2 of 4 stars). 3 submissions from 3 submitters: Benign (2). 1 of the submissions does not count toward it. Last evaluated 2018-08-14.

Conditions:
MUC16-related disorder. Also called: MUC16-related condition.

Allele frequency attached by ClinVar (database versions not stated): gnomAD 0.02329 and 0.02178; TOPMed 0.02470; ExAC 0.00688; 1000 Genomes Project 30x 0.02436; gnomAD exomes 0.00238; 1000 Genomes Project 0.02256; ESP Exome Variant Server 0.02402.

Submissions (3):

Labcorp Genetics (formerly Invitae), Labcorp
Classification: Benign. Last evaluated: 2018-08-14. Review status: criteria provided, single submitter. Criteria: Invitae Variant Classification Sherloc (09022015). Collection method: clinical testing. Allele origin: germline.

Breakthrough Genomics
Classification: Benign. Review status: criteria provided, single submitter. Criteria: ACMG Guidelines, 2015. Collection method: not provided. Allele origin: germline. Inheritance: Unknown mechanism. Affected: yes.

PreventionGenetics, part of Exact Sciences
Classification: Benign for MUC16-related condition. Last evaluated: 2019-10-01. Review status: no assertion criteria provided. Collection method: clinical testing. Allele origin: germline. Not counted in ClinVar's aggregate classification.
Comment: This variant is classified as benign based on ACMG/AMP sequence variant interpretation guidelines (Richards et al. 2015 PMID: 25741868, with internal and published modifications).